The following is an entry in ClinVar:

ClinVar aggregate classification (germline): Conflicting classifications of pathogenicity. Review status: criteria provided, conflicting classifications (1 of 4 stars). 3 submissions from 3 submitters: Likely pathogenic (2); Uncertain significance (1). Last evaluated 2026-07-18.

Conditions:
Sucrase-isomaltase deficiency (CSID). Also called: SI DEFICIENCY; Deficiency of isomaltase; Congenital sucrose isomaltose malabsorption; Sucrose isomaltose enzyme deficiency. Identifiers: Orphanet 35122, MedGen C1283620, MONDO:0009114, OMIM 222900.

Allele frequency attached by ClinVar (database versions not stated): ExAC 0.00002; ESP Exome Variant Server 0.00015.
gnomAD v4.1: 196 of 1,610,844 alleles (0.012%); highest among the groups gnomAD compares: Non-Finnish European, 0.016%; no homozygotes.

Submissions (3):

GeneDx
Classification: Likely pathogenic. Last evaluated: 2026-07-18. Review status: criteria provided, single submitter. Criteria: GeneDx Variant Classification Process June 2021. Collection method: clinical testing. Allele origin: germline.
Comment: Published functional studies demonstrate a damaging effect with failure of the protein to mature and decreased isomaltase and sucrase activity (PMID: 28062276); In silico analysis supports that this missense variant has a deleterious effect on protein structure/function; This variant is associated with the following publications: (PMID: 32732636, 28062276)

Labcorp Genetics (formerly Invitae), Labcorp
Classification: Likely pathogenic. Last evaluated: 2025-10-21. Review status: criteria provided, single submitter. Criteria: Invitae Variant Classification Sherloc (09022015). Collection method: clinical testing. Allele origin: germline.
Comment: This sequence change replaces threonine, which is neutral and polar, with isoleucine, which is neutral and non-polar, at codon 1606 of the SI protein (p.Thr1606Ile). This variant is present in population databases (rs376062850, gnomAD 0.004%). This missense change has been observed in individual(s) with clinical features of SI-related conditions and/or congenital sucrase-isomaltase deficiency (PMID: 28062276). ClinVar contains an entry for this variant (Variation ID: 2069339). Invitae Evidence Modeling of protein sequence and biophysical properties (such as structural, functional, and spatial information, amino acid conservation, physicochemical variation, residue mobility, and thermodynamic stability) indicates that this missense variant is expected to disrupt SI protein function with a positive predictive value of 95%. Experimental studies have shown that this missense change affects SI function (PMID: 28062276). In summary, the currently available evidence indicates that the variant is pathogenic, but additional data are needed to prove that conclusively. Therefore, this variant has been classified as Likely Pathogenic.

Fulgent Genetics
Classification: Uncertain significance for Sucrase-isomaltase deficiency. Last evaluated: 2024-04-09. Review status: criteria provided, single submitter. Criteria: ACMG Guidelines, 2015. Collection method: clinical testing. Allele origin: germline.

Literature cited by the submitters: PubMed 28062276 (cited by Labcorp Genetics (formerly Invitae), Labcorp).

NM_001041.4(SI):c.4817C>T (p.Thr1606Ile)

Gene: SI (sucrase-isomaltase; minus strand). Cytogenetic location: 3q26.1.
Variant type: single nucleotide variant.
Coding change: c.4817C>T on transcript NM_001041.4 (MANE Select); coding-DNA position 4817, C replaced by T.
Protein change: p.Thr1606Ile; replaces threonine 1606 with isoleucine.
Molecular consequence: missense variant.
Genome position (GRCh38, 1-based): chr3:164,994,281, G>A on the plus strand (C>T on the coding strand, the complement: SI is on the minus strand). VCF-style: chr3-164994281-G-A. GRCh37 (hg19) VCF-style: chr3-164712069-G-A.
Other names: c.4817C>T (NM_001041.3); short protein forms T1606I.
Identifiers: ClinVar variation 2069339 (VCV002069339.8), dbSNP rs376062850, ClinGen allele CA2689785.